The following is an entry in ClinVar:

NM_001958.5(EEF1A2):c.1265-16GCCCCCC[3]

Gene: EEF1A2 (eukaryotic translation elongation factor 1 alpha 2; minus strand). Cytogenetic location: 20q13.33.
Variant type: Microsatellite.
Coding change: c.1265-16GCCCCCC[3] on transcript NM_001958.5 (MANE Select); three copies in a row of the 7-base unit GCCCCCC starting at c.1265-16; the reference has two copies in a row; one copy, 7 bases duplicated.
Molecular consequence: intron variant.
Genome position (GRCh38, 1-based): chr20:63,488,428-63,488,434, GGGGGGC duplicated on the plus strand (GCCCCCC on the coding strand, the reverse complement: EEF1A2 is on the minus strand); duplicating any 7 consecutive bases within chr20:63,488,428-63,488,443 gives the same sequence; the position shown is the placement nearest the transcript's 3' end. VCF-style (leftmost placement, unchanged base first): chr20-63488427-T-TGGGGGGC. GRCh37 (hg19) VCF-style: chr20-62119780-T-TGGGGGGC.
Other names: c.1265-9_1265-3dup (NM_001958.3); c.1265-9_1265-3dup7 (NM_001958.3).
Identifiers: ClinVar variation 421074 (VCV000421074.16), dbSNP rs760400114, ClinGen allele CA9958923.

ClinVar aggregate classification (germline): Likely benign. Review status: criteria provided, multiple submitters, no conflicts (2 of 4 stars). 5 submissions from 5 submitters: Likely benign (5). Last evaluated 2026-01-14.

Conditions:
EEF1A2-related disorder. Also called: EEF1A2-related disorders; EEF1A2-related condition.
Developmental and epileptic encephalopathy, 33 (DEE33). Also called: Epileptic encephalopathy, early infantile, 33. Identifiers: Orphanet 442835, MedGen C4225337, MONDO:0014625, OMIM 616409.
Congenital heart disease (CHD). Identifiers: MedGen C0152021, MONDO:0005453. Disease mechanism: unknown.

Submissions (5):

PreventionGenetics, part of Exact Sciences
Classification: Likely benign for EEF1A2-related condition. Last evaluated: 2026-01-14. Review status: criteria provided, single submitter. Criteria: ACMG Guidelines, 2015. Collection method: clinical testing. Allele origin: germline.
Comment: This variant is classified as likely benign based on ACMG/AMP sequence variant interpretation guidelines (Richards et al. 2015 PMID: 25741868, with internal and published modifications).

Labcorp Genetics (formerly Invitae), Labcorp
Classification: Likely benign for Developmental and epileptic encephalopathy, 33. Last evaluated: 2026-01-08. Review status: criteria provided, single submitter. Criteria: Invitae Variant Classification Sherloc (09022015). Collection method: clinical testing. Allele origin: germline.

Blueprint Genetics
Classification: Likely benign. Last evaluated: 2024-11-27. Review status: criteria provided, single submitter. Criteria: ACMG Guidelines, 2015. Collection method: clinical testing. Allele origin: germline.

GeneDx
Classification: Likely benign. Last evaluated: 2023-05-19. Review status: criteria provided, single submitter. Criteria: GeneDx Variant Classification Process June 2021. Collection method: clinical testing. Allele origin: germline. Affected: yes.
Comment: See Variant Classification Assertion Criteria.

Cambridge Genomics Laboratory, East Genomic Laboratory Hub, NHS Genomic Medicine Service
Classification: Likely benign for Congenital heart disease. Last evaluated: 2019-12-13. Review status: criteria provided, single submitter. Criteria: ACGS Best Practice Guidelines for Variant Classification in Rare Disease 2020. Collection method: clinical testing. Allele origin: germline. Affected: yes. Observed: 1 variant allele.